The following is an entry in ClinVar:

NM_152347.5(EFCAB13):c.835A>G (p.Ile279Val)

Gene: EFCAB13 (EF-hand calcium binding domain 13; plus strand). Cytogenetic location: 17q21.32.
Variant type: single nucleotide variant.
Coding change: c.835A>G on transcript NM_152347.5 (MANE Select); coding-DNA position 835, A replaced by G.
Protein change: p.Ile279Val; replaces isoleucine 279 with valine.
Molecular consequence: missense variant.
Genome position (GRCh38, 1-based): chr17:47,370,466, A>G. VCF-style: chr17-47370466-A-G. GRCh37 (hg19) VCF-style: chr17-45447832-A-G.
Other names: c.547A>G, p.Ile183Val (NM_001195192.2, NM_001426588.1); c.835A>G, p.Ile279Val (NM_001426585.1); c.691A>G, p.Ile231Val (NM_001426586.1, NM_001426587.1); short protein forms I183V, I231V, I279V.
Identifiers: ClinVar variation 3059163 (VCV003059163.2), dbSNP rs55853213, ClinGen allele CA8623806.

ClinVar aggregate classification (germline): Benign (0 of 4 stars; one submission).

Conditions:
EFCAB13-related disorder. Also called: EFCAB13-related condition.

Allele frequency attached by ClinVar (database versions not stated): ESP Exome Variant Server 0.04899; gnomAD 0.05220; TOPMed 0.05474; gnomAD exomes 0.05594; ExAC 0.06106; 1000 Genomes Project 30x 0.06121; 1000 Genomes Project 0.06230.
gnomAD v4.1: 89,194 of 1,603,782 alleles (5.6%); highest among the groups gnomAD compares: East Asian, 11%; 2,867 homozygotes.

Submission:

PreventionGenetics, part of Exact Sciences
Classification: Benign for EFCAB13-related condition. Last evaluated: 2019-11-15. Review status: no assertion criteria provided. Collection method: clinical testing. Allele origin: germline.
Comment: This variant is classified as benign based on ACMG/AMP sequence variant interpretation guidelines (Richards et al. 2015 PMID: 25741868, with internal and published modifications).